The following is an entry in ClinVar:

ClinVar aggregate classification (germline): Pathogenic/Likely pathogenic. Review status: criteria provided, multiple submitters, no conflicts (2 of 4 stars). 2 submissions from 2 submitters: Pathogenic (1); Likely pathogenic (1). Last evaluated 2023-10-17.

Conditions:
Cerebrooculofacioskeletal syndrome 1 (COFS1). Also called: Cerebro-oculo-facio-skeletal syndrome 1. Identifiers: MedGen C0220722, MONDO:0008955, OMIM 214150.

Submissions (2):

Labcorp Genetics (formerly Invitae), Labcorp
Classification: Pathogenic. Last evaluated: 2023-10-17. Review status: criteria provided, single submitter. Criteria: Invitae Variant Classification Sherloc (09022015). Collection method: clinical testing. Allele origin: germline.
Comment: This sequence change creates a premature translational stop signal (p.Gln580*) in the ERCC6 gene. It is expected to result in an absent or disrupted protein product. Loss-of-function variants in ERCC6 are known to be pathogenic (PMID: 18628313, 29572252). This variant is not present in population databases (gnomAD no frequency). This variant has not been reported in the literature in individuals affected with ERCC6-related conditions. ClinVar contains an entry for this variant (Variation ID: 2445951). Algorithms developed to predict the effect of sequence changes on RNA splicing suggest that this variant may disrupt the consensus splice site. For these reasons, this variant has been classified as Pathogenic.

Women's Health and Genetics/Laboratory Corporation of America, LabCorp
Classification: Likely pathogenic for Cerebrooculofacioskeletal syndrome 1. Last evaluated: 2023-02-24. Review status: criteria provided, single submitter. Criteria: LabCorp Variant Classification Summary - May 2015. Collection method: clinical testing. Allele origin: germline.
Comment: Variant summary: ERCC6 c.1738C>T (p.Gln580X) results in a premature termination codon, predicted to cause a truncation of the encoded protein or absence of the protein due to nonsense mediated decay, which are commonly known mechanisms for disease. Truncations downstream of this position have been reported in HGMD in association with Cockayne syndrome and Cerebro-oculo-facio-skeletal syndrome. The variant was absent in 251378 control chromosomes. To our knowledge, no occurrence of c.1738C>T in individuals affected with Cerebrooculofacioskeletal Syndrome 1 and no experimental evidence demonstrating its impact on protein function have been reported. No clinical diagnostic laboratories have submitted clinical-significance assessments for this variant to ClinVar after 2014. Based on the evidence outlined above, the variant was classified as likely pathogenic.

Literature cited by the submitters: PubMed 18628313 (cited by Labcorp Genetics (formerly Invitae), Labcorp); PubMed 29572252 (cited by Labcorp Genetics (formerly Invitae), Labcorp).

NM_000124.4(ERCC6):c.1738C>T (p.Gln580Ter)

Gene: ERCC6 (ERCC excision repair 6, chromatin remodeling factor; minus strand). Cytogenetic location: 10q11.23.
Variant type: single nucleotide variant.
Coding change: c.1738C>T on transcript NM_000124.4 (MANE Select); coding-DNA position 1738, C replaced by T.
Protein change: p.Gln580Ter; replaces glutamine 580 with a stop codon.
Molecular consequence: nonsense.
Genome position (GRCh38, 1-based): chr10:49,493,200, G>A on the plus strand (C>T on the coding strand, the complement: ERCC6 is on the minus strand). VCF-style: chr10-49493200-G-A. GRCh37 (hg19) VCF-style: chr10-50701246-G-A.
Other names: c.1738C>T, p.Gln580Ter (NM_001346440.2); c.1738C>T (NM_000124.3); short protein forms Q580*.
Identifiers: ClinVar variation 2445951 (VCV002445951.4), dbSNP rs1213371362, ClinGen allele CA376726567.